The following is an entry in ClinVar:

ClinVar aggregate classification (germline): Uncertain significance (1 of 4 stars; one submission).

Submission:

Labcorp Genetics (formerly Invitae), Labcorp
Classification: Uncertain significance. Last evaluated: 2021-12-24. Review status: criteria provided, single submitter. Criteria: Invitae Variant Classification Sherloc (09022015). Collection method: clinical testing. Allele origin: germline.
Comment: This variant is not present in population databases (gnomAD no frequency). In summary, the available evidence is currently insufficient to determine the role of this variant in disease. Therefore, it has been classified as a Variant of Uncertain Significance. Variants that disrupt the consensus splice site are a relatively common cause of aberrant splicing (PMID: 17576681, 9536098). Algorithms developed to predict the effect of sequence changes on RNA splicing suggest that this variant may disrupt the consensus splice site. This variant has not been reported in the literature in individuals affected with NUP205-related conditions. This sequence change falls in intron 16 of the NUP205 gene. It does not directly change the encoded amino acid sequence of the NUP205 protein. It affects a nucleotide within the consensus splice site.

Literature cited by the submitters: PubMed 17576681; PubMed 9536098.

NM_015135.3(NUP205):c.2374+4A>G

Gene: NUP205 (nucleoporin 205; plus strand). Cytogenetic location: 7q33.
Variant type: single nucleotide variant.
Coding change: c.2374+4A>G on transcript NM_015135.3 (MANE Select); 4 bases into the intron after coding-DNA position 2374, A replaced by G.
Molecular consequence: intron variant.
Genome position (GRCh38, 1-based): chr7:135,600,973, A>G. VCF-style: chr7-135600973-A-G. GRCh37 (hg19) VCF-style: chr7-135285721-A-G.
Other names: c.1300+4A>G (NM_001329434.2).
Identifiers: ClinVar variation 2049810 (VCV002049810.4), dbSNP rs2486148569, ClinGen allele CA2580077481.
Genomic context (GRCh38, chr7:135,600,973, plus strand): 5'-TCAGAGATTATGAGCCTCAGCTTGAAGATTTTGTAGACCAGTTTGTGGAACTACAAGGTA[A>G]TTTAATTCTGTCACTTTCAAACAAGTTGTCAACTATTTATAATTTATAAATTATGGCTAT-3'